The following is an entry in ClinVar:

ClinVar aggregate classification (germline): Benign. Review status: criteria provided, multiple submitters, no conflicts (2 of 4 stars). 2 submissions from 2 submitters: Benign (2). Last evaluated 2018-06-19.

Allele frequency attached by ClinVar (database versions not stated): 1000 Genomes Project 0.80631; 1000 Genomes Project 30x 0.80746; gnomAD exomes 0.83889; TOPMed 0.86003; gnomAD 0.87280 and 0.88171.
gnomAD v4.1: 423,172 of 498,050 alleles (85%); highest among the groups gnomAD compares: African/African-American, 96%; 181,739 homozygotes.

Submissions (2):

GeneDx
Classification: Benign. Last evaluated: 2018-06-19. Review status: criteria provided, single submitter. Criteria: GeneDx Variant Classification (06012015). Collection method: clinical testing. Allele origin: germline. Affected: yes.
Comment: This variant is considered likely benign or benign based on one or more of the following criteria: it is a conservative change, it occurs at a poorly conserved position in the protein, it is predicted to be benign by multiple in silico algorithms, and/or has population frequency not consistent with disease.

Breakthrough Genomics
Classification: Benign. Review status: criteria provided, single submitter. Criteria: ACMG Guidelines, 2015. Collection method: not provided. Allele origin: germline. Inheritance: Autosomal recessive inheritance. Affected: yes.

NM_001985.3(ETFB):c.438+231T>C

Gene: ETFB (electron transfer flavoprotein subunit beta; minus strand). Cytogenetic location: 19q13.41.
Variant type: single nucleotide variant.
Coding change: c.438+231T>C on transcript NM_001985.3 (MANE Select); 231 bases into the intron after coding-DNA position 438, T replaced by C.
Molecular consequence: intron variant.
Genome position (GRCh38, 1-based): chr19:51,350,098, A>G on the plus strand (T>C on the coding strand, the complement: ETFB is on the minus strand). VCF-style: chr19-51350098-A-G. GRCh37 (hg19) VCF-style: chr19-51853352-A-G.
Other names: c.711+231T>C (NM_001014763.1).
Identifiers: ClinVar variation 680108 (VCV000680108.2), dbSNP rs4802787, ClinGen allele CA14678237.